The following is an entry in ClinVar:

NM_152281.3(GORAB):c.112C>T (p.Leu38Phe)

Gene: GORAB (golgin, RAB6 interacting; plus strand). Cytogenetic location: 1q24.2.
Variant type: single nucleotide variant.
Coding change: c.112C>T on transcript NM_152281.3 (MANE Select); coding-DNA position 112, C replaced by T.
Protein change: p.Leu38Phe; replaces leucine 38 with phenylalanine.
Molecular consequence: missense variant. On other transcripts: non-coding transcript variant (1), 5 prime UTR variant (1).
Genome position (GRCh38, 1-based): chr1:170,539,260, C>T. VCF-style: chr1-170539260-C-T. GRCh37 (hg19) VCF-style: chr1-170508401-C-T.
Other names: c.61C>T, p.Leu21Phe (NM_001410894.1); c.112C>T, p.Leu38Phe (NM_001146039.2); c.-354C>T (NM_001320252.2); short protein forms L21F, L38F.
Identifiers: ClinVar variation 1976591 (VCV001976591.5), dbSNP rs757514096, ClinGen allele CA1239047.

ClinVar aggregate classification (germline): Uncertain significance (1 of 4 stars; one submission).

Allele frequency attached by ClinVar (database versions not stated): gnomAD exomes below 0.00001; ExAC 0.00001; TOPMed 0.00002.

Submission:

Labcorp Genetics (formerly Invitae), Labcorp
Classification: Uncertain significance. Last evaluated: 2022-03-14. Review status: criteria provided, single submitter. Criteria: Invitae Variant Classification Sherloc (09022015). Collection method: clinical testing. Allele origin: germline.
Comment: This sequence change replaces leucine, which is neutral and non-polar, with phenylalanine, which is neutral and non-polar, at codon 63 of the GORAB protein (p.Leu63Phe). This variant is present in population databases (rs757514096, gnomAD 0.007%). In summary, the available evidence is currently insufficient to determine the role of this variant in disease. Therefore, it has been classified as a Variant of Uncertain Significance. Algorithms developed to predict the effect of missense changes on protein structure and function (SIFT, PolyPhen-2, Align-GVGD) all suggest that this variant is likely to be tolerated. This variant has not been reported in the literature in individuals affected with GORAB-related conditions.